The following is an entry in ClinVar:

NM_005228.5(EGFR):c.62C>T (p.Ala21Val)

Gene: EGFR (epidermal growth factor receptor; plus strand). Cytogenetic location: 7p11.2.
Variant type: single nucleotide variant.
Coding change: c.62C>T on transcript NM_005228.5 (MANE Select); coding-DNA position 62, C replaced by T.
Protein change: p.Ala21Val; replaces alanine 21 with valine.
Molecular consequence: missense variant.
Genome position (GRCh38, 1-based): chr7:55,019,339, C>T. VCF-style: chr7-55019339-C-T. GRCh37 (hg19) VCF-style: chr7-55087032-C-T.
Other names: c.62C>T, p.Ala21Val (NM_001346897.2, NM_001346898.2, NM_001346899.2 and 4 more transcripts); short protein forms A21V.
Identifiers: ClinVar variation 1433721 (VCV001433721.10), dbSNP rs1194702075, ClinGen allele CA367611270.
Genomic context (GRCh38, chr7:55,019,339, plus strand): 5'-TGCGACCCTCCGGGACGGCCGGGGCAGCGCTCCTGGCGCTGCTGGCTGCGCTCTGCCCGG[C>T]GAGTCGGGCTCTGGAGGAAAAGAAAGGTAAGGGCGTGTCTCGCCGGCTCCCGCGCCGCCC-3'
Protein context (NP_005219.2, residues 11-31): LLALLAALCP[Ala21Val]SRALEEKKVC

ClinVar aggregate classification (germline): Uncertain significance. Review status: criteria provided, multiple submitters, no conflicts (2 of 4 stars). 3 submissions from 3 submitters: Uncertain significance (3). Last evaluated 2025-03-10.

Conditions:
Hereditary cancer-predisposing syndrome. Also called: Hereditary Cancer Syndrome; Hereditary neoplastic syndrome; Neoplastic Syndromes, Hereditary; Tumor predisposition. Identifiers: Orphanet 140162, MedGen C0027672, MeSH D009386, MONDO:0015356.
EGFR-related lung cancer (EGFR). Identifiers: MedGen CN130014.

Allele frequency attached by ClinVar (database versions not stated): gnomAD exomes 0.00001; TOPMed 0.00001.
gnomAD v4.1: 4 of 1,517,118 alleles (0.00026%); highest among the groups gnomAD compares: Non-Finnish European, 0.00027%; no homozygotes.

Submissions (3):

Ambry Genetics
Classification: Uncertain significance for Hereditary cancer-predisposing syndrome. Last evaluated: 2025-03-10. Review status: criteria provided, single submitter. Criteria: Ambry Variant Classification Scheme 2023. Collection method: clinical testing. Allele origin: germline.
Comment: The p.A21V variant (also known as c.62C>T), located in coding exon 1 of the EGFR gene, results from a C to T substitution at nucleotide position 62. The alanine at codon 21 is replaced by valine, an amino acid with similar properties. This amino acid position is not well conserved in available vertebrate species. In addition, this alteration is predicted to be tolerated by in silico analysis. Based on the available evidence, the clinical significance of this variant remains unclear.

Labcorp Genetics (formerly Invitae), Labcorp
Classification: Uncertain significance for EGFR-related lung cancer. Last evaluated: 2024-12-12. Review status: criteria provided, single submitter. Criteria: Invitae Variant Classification Sherloc (09022015). Collection method: clinical testing. Allele origin: germline.
Comment: This sequence change replaces alanine, which is neutral and non-polar, with valine, which is neutral and non-polar, at codon 21 of the EGFR protein (p.Ala21Val). The frequency data for this variant in the population databases is considered unreliable, as metrics indicate poor data quality at this position in the gnomAD database. This variant has not been reported in the literature in individuals affected with EGFR-related conditions. ClinVar contains an entry for this variant (Variation ID: 1433721). An algorithm developed to predict the effect of missense changes on protein structure and function (PolyPhen-2) suggests that this variant is likely to be disruptive. Algorithms developed to predict the effect of sequence changes on RNA splicing suggest that this variant may disrupt the consensus splice site. In summary, the available evidence is currently insufficient to determine the role of this variant in disease. Therefore, it has been classified as a Variant of Uncertain Significance.

Sema4
Classification: Uncertain significance for Hereditary cancer-predisposing syndrome. Last evaluated: 2021-06-03. Review status: criteria provided, single submitter. Criteria: Sema4 Curation Guidelines. Collection method: curation. Allele origin: germline.
Comment: The EGFR c.62C>T (p.A21V) variant has not been reported in the literature to our knowledge. It was observed in 1/173564 chromosomes in the large and broad cohorts of the Genome Aggregation Database (PMID: 32461654) but has not been reported in ClinVar. In silico tools suggest the impact of the variant on protein function is inconclusive, though these predictions have not been confirmed by functional studies. The evidence is insufficient to meet ACMG/AMP criteria for classifying the variant as benign or pathogenic. Thus, the clinical significance of this variant is currently uncertain.